The following is an entry in ClinVar:

ClinVar aggregate classification (germline): Uncertain significance (1 of 4 stars; one submission).

Conditions:
Vici syndrome (VICIS). Identifiers: Orphanet 1493, MedGen C1855772, MONDO:0009452, OMIM 242840.

Allele frequency attached by ClinVar (database versions not stated): ExAC 0.00001; gnomAD exomes 0.00001; TOPMed 0.00001; gnomAD 0.00002.
gnomAD v4.1: 12 of 1,613,762 alleles (0.00074%); highest among the groups gnomAD compares: African/African-American, 0.0053%; no homozygotes.

Submission:

Labcorp Genetics (formerly Invitae), Labcorp
Classification: Uncertain significance for Vici syndrome. Last evaluated: 2021-12-22. Review status: criteria provided, single submitter. Criteria: Invitae Variant Classification Sherloc (09022015). Collection method: clinical testing. Allele origin: germline.
Comment: This sequence change replaces arginine, which is basic and polar, with glutamine, which is neutral and polar, at codon 821 of the EPG5 protein (p.Arg821Gln). This variant is present in population databases (rs776940588, gnomAD 0.01%). This variant has not been reported in the literature in individuals affected with EPG5-related conditions. Algorithms developed to predict the effect of missense changes on protein structure and function are either unavailable or do not agree on the potential impact of this missense change (SIFT: "Tolerated"; PolyPhen-2: "Probably Damaging"; Align-GVGD: "Class C0"). In summary, the available evidence is currently insufficient to determine the role of this variant in disease. Therefore, it has been classified as a Variant of Uncertain Significance.

NM_020964.3(EPG5):c.2462G>A (p.Arg821Gln)

Gene: EPG5 (ectopic P-granules 5 autophagy tethering factor; minus strand). Cytogenetic location: 18q21.1.
Variant type: single nucleotide variant.
Coding change: c.2462G>A on transcript NM_020964.3 (MANE Select); coding-DNA position 2462, G replaced by A.
Protein change: p.Arg821Gln; replaces arginine 821 with glutamine.
Molecular consequence: missense variant.
Genome position (GRCh38, 1-based): chr18:45,928,960, C>T on the plus strand (G>A on the coding strand, the complement: EPG5 is on the minus strand). VCF-style: chr18-45928960-C-T. GRCh37 (hg19) VCF-style: chr18-43508926-C-T.
Other names: c.2462G>A, p.Arg821Gln (NM_001410858.1, NM_001410859.1); short protein forms R821Q.
Identifiers: ClinVar variation 1951503 (VCV001951503.2), dbSNP rs776940588, ClinGen allele CA8949418.